The following is an entry in ClinVar:

NM_058246.4(DNAJB6):c.-63C>G

Gene: DNAJB6 (DnaJ heat shock protein family (Hsp40) member B6; plus strand). Cytogenetic location: 7q36.3.
Variant type: single nucleotide variant.
Coding change: c.-63C>G on transcript NM_058246.4 (MANE Select); 63 bases upstream of the start codon, C replaced by G.
Molecular consequence: 5 prime UTR variant.
Genome position (GRCh38, 1-based): chr7:157,337,108, C>G. VCF-style: chr7-157337108-C-G. GRCh37 (hg19) VCF-style: chr7-157129802-C-G.
Other names: c.-63C>G (NM_001363676.1, NM_005494.3).
Identifiers: ClinVar variation 909312 (VCV000909312.5), dbSNP rs551880529, ClinGen allele CA169873296.

ClinVar aggregate classification (germline): Benign/Likely benign. Review status: criteria provided, multiple submitters, no conflicts (2 of 4 stars). 2 submissions from 2 submitters: Benign (1); Likely benign (1). Last evaluated 2021-11-21.

Conditions:
Autosomal dominant limb-girdle muscular dystrophy type 1D (DNAJB6) (LGMDD1). Also called: Autosomal dominant limb-girdle muscular dystrophy type 1D; Muscular dystrophy, limb-girdle, autosomal dominant 1; MUSCULAR DYSTROPHY, AUTOSOMAL DOMINANT, WITH RIMMED VACUOLES; MUSCULAR DYSTROPHY, LIMB-GIRDLE, TYPE 1D. Identifiers: Orphanet 34516, MedGen C4721885, MONDO:0021018, OMIM 603511.

Allele frequency attached by ClinVar (database versions not stated): gnomAD 0.00469 and 0.00502; TOPMed 0.00500; 1000 Genomes Project 30x 0.00578; 1000 Genomes Project 0.00639.

Submissions (2):

GeneDx
Classification: Likely benign. Last evaluated: 2021-11-21. Review status: criteria provided, single submitter. Criteria: GeneDx Variant Classification Process June 2021. Collection method: clinical testing. Allele origin: germline. Affected: yes.
Comment: See Variant Classification Assertion Criteria.

Illumina Laboratory Services, Illumina
Classification: Benign for Autosomal dominant limb-girdle muscular dystrophy type 1D (DNAJB6). Last evaluated: 2018-01-13. Review status: criteria provided, single submitter. Criteria: ICSL Variant Classification Criteria 13 December 2019. Collection method: clinical testing. Allele origin: germline.
Comment: This variant was observed in the ICSL laboratory as part of a predisposition screen in an ostensibly healthy population. It had not been previously curated by ICSL or reported in the Human Gene Mutation Database (HGMD: prior to June 1st, 2018), and was therefore a candidate for classification through an automated scoring system. Utilizing variant allele frequency, disease prevalence and penetrance estimates, and inheritance mode, an automated score was calculated to assess if this variant is too frequent to cause the disease. Based on the score and internal cut-off values, a variant classified as benign is not then subjected to further curation. The score for this variant resulted in a classification of benign for this disease.